The following is an entry in ClinVar:

NM_024675.4(PALB2):c.922G>T (p.Ala308Ser)

Gene: PALB2 (partner and localizer of BRCA2; minus strand). Cytogenetic location: 16p12.2.
Variant type: single nucleotide variant.
Coding change: c.922G>T on transcript NM_024675.4 (MANE Select); coding-DNA position 922, G replaced by T.
Protein change: p.Ala308Ser; replaces alanine 308 with serine.
Molecular consequence: missense variant. On other transcripts: intron variant (3).
Genome position (GRCh38, 1-based): chr16:23,635,624, C>A on the plus strand (G>T on the coding strand, the complement: PALB2 is on the minus strand). VCF-style: chr16-23635624-C-A. GRCh37 (hg19) VCF-style: chr16-23646945-C-A.
Other names: c.37G>T, p.Ala13Ser (NM_001407307.1, NM_001407308.1, NM_001407309.1 and 5 more transcripts); c.48+5486G>T (NM_001407314.1); c.-104-5155G>T (NM_001407313.1, NM_001407312.1); c.862G>T, p.Ala288Ser (NM_001407296.1); c.922G>T, p.Ala308Ser (NM_001407297.1, NM_001407298.1, NM_001407299.1 and 3 more transcripts); short protein forms A13S, A308S, A288S.
Identifiers: ClinVar variation 3303985 (VCV003303985.1).

ClinVar aggregate classification (germline): Uncertain significance (1 of 4 stars; one submission).

Conditions:
Hereditary cancer-predisposing syndrome. Also called: Tumor predisposition; Hereditary Cancer Syndrome; Hereditary neoplastic syndrome; Neoplastic Syndromes, Hereditary. Identifiers: Orphanet 140162, MedGen C0027672, MeSH D009386, MONDO:0015356.

Submission:

Ambry Genetics
Classification: Uncertain significance for Hereditary cancer-predisposing syndrome. Last evaluated: 2024-04-22. Review status: criteria provided, single submitter. Criteria: Ambry Variant Classification Scheme 2023. Collection method: clinical testing. Allele origin: germline.
Comment: The p.A308S variant (also known as c.922G>T), located in coding exon 4 of the PALB2 gene, results from a G to T substitution at nucleotide position 922. The alanine at codon 308 is replaced by serine, an amino acid with similar properties. This amino acid position is conserved. In addition, this alteration is predicted to be tolerated by in silico analysis. Based on the available evidence, the clinical significance of this variant remains unclear.